The following is an entry in ClinVar:

ClinVar aggregate classification (germline): Uncertain significance (1 of 4 stars; one submission).

Conditions:
Inborn genetic diseases. Identifiers: MedGen C0950123, MeSH D030342.

Submission:

Ambry Genetics
Classification: Uncertain significance for Inborn genetic diseases. Last evaluated: 2024-10-17. Review status: criteria provided, single submitter. Criteria: Ambry Variant Classification Scheme 2023. Collection method: clinical testing. Allele origin: germline.
Comment: The c.5950G>T (p.E1984*) alteration, located in exon 27 (coding exon 26) of the SCN2A gene, consists of a G to T substitution at nucleotide position 5950. This changes the amino acid from a glutamic acid (E) to a stop codon at amino acid position 1984. This alteration occurs at the 3' terminus of the SCN2A gene, is not expected to trigger nonsense-mediated mRNA decay, and only impacts the last 1.1% of the protein. The exact functional effect of this alteration is unknown. This variant was not reported in population-based cohorts in the Genome Aggregation Database (gnomAD). Based on insufficient or conflicting evidence, the clinical significance of this alteration remains unclear.

NM_001040142.2(SCN2A):c.5950G>T (p.Glu1984Ter)

Gene: SCN2A (sodium voltage-gated channel alpha subunit 2; plus strand). Cytogenetic location: 2q24.3.
Variant type: single nucleotide variant.
Coding change: c.5950G>T on transcript NM_001040142.2 (MANE Select); coding-DNA position 5950, G replaced by T.
Protein change: p.Glu1984Ter; replaces glutamic acid 1984 with a stop codon.
Molecular consequence: nonsense.
Genome position (GRCh38, 1-based): chr2:165,389,756, G>T. VCF-style: chr2-165389756-G-T. GRCh37 (hg19) VCF-style: chr2-166246266-G-T.
Other names: c.5950G>T, p.Glu1984Ter (NM_001040143.2, NM_001371246.1, NM_001371247.1 and 1 more transcripts); short protein forms E1984*.
Identifiers: ClinVar variation 3438207 (VCV003438207.1).